The following is an entry in ClinVar:

NM_020971.3(SPTBN4):c.474G>A (p.Trp158Ter)

Gene: SPTBN4 (spectrin beta, non-erythrocytic 4; plus strand). Cytogenetic location: 19q13.2.
Variant type: single nucleotide variant.
Coding change: c.474G>A on transcript NM_020971.3 (MANE Select); coding-DNA position 474, G replaced by A.
Protein change: p.Trp158Ter; replaces tryptophan 158 with a stop codon.
Molecular consequence: nonsense.
Genome position (GRCh38, 1-based): chr19:40,490,227, G>A. VCF-style: chr19-40490227-G-A. GRCh37 (hg19) VCF-style: chr19-40996134-G-A.
Other names: short protein forms W158*.
Identifiers: ClinVar variation 4884827 (VCV004884827.1).

ClinVar aggregate classification (germline): Uncertain significance (0 of 4 stars; one submission).

Conditions:
Neurodevelopmental disorder with hypotonia, neuropathy, and deafness (NEDHND). Also called: Myopathy, congenital, with neuropathy and deafness; SPTBN4 Disorder. Identifiers: MedGen C4479603, MONDO:0060496, OMIM 617519.

Submission:

Hong-Tao Li Lab, Institute of Brain Science and Brain-inspired Research, Shandong First Medical University & Shandong Academy of Medical Sciences China
Classification: Uncertain significance for Neurodevelopmental disorder with hypotonia, neuropathy, and deafness. Review status: no assertion criteria provided. Collection method: research. Allele origin: germline. Inheritance: Autosomal recessive inheritance. Affected: yes. Observed: 1 variant allele, 1 homozygote.
Comment: Observed in affected individuals from a Pakistani neurodevelopmental-disorder research cohort of 263 individuals. Classification assigned using the ACMG/AMP framework.